The following is an entry in ClinVar:

ClinVar aggregate classification (germline): Uncertain significance (1 of 4 stars; one submission).

Conditions:
EPPK1-related disorder. Also called: EPPK1-related condition.

Submission:

PreventionGenetics, part of Exact Sciences
Classification: Uncertain significance for EPPK1-related condition. Last evaluated: 2023-04-05. Review status: criteria provided, single submitter. Criteria: ACMG Guidelines, 2015. Collection method: clinical testing. Allele origin: germline.
Comment: The EPPK1 c.108delC variant is predicted to result in a frameshift and premature protein termination (p.Pro36Profs*8). To our knowledge, this variant has not been reported in the literature or in a large population database, indicating this variant is rare. At this time, the clinical significance of this variant is uncertain due to the absence of conclusive functional and genetic evidence.

NM_031308.4(EPPK1):c.108del (p.Arg37fs)

Gene: EPPK1 (epiplakin 1; minus strand). Cytogenetic location: 8q24.3.
Variant type: Deletion.
Coding change: c.108del on transcript NM_031308.4 (MANE Select); coding-DNA position 108, one base deleted (C; older notation c.108delC).
Protein change: p.Arg37fs; shifts the reading frame from arginine 37.
Molecular consequence: frameshift variant.
Genome position (GRCh38, 1-based): chr8:143,873,146, G deleted on the plus strand (C on the coding strand, the reverse complement: EPPK1 is on the minus strand); the first of 6 consecutive G bases (chr8:143,873,146-143,873,151); deleting any one gives the same sequence. VCF-style (leftmost placement, unchanged base first): chr8-143873145-TG-T. GRCh37 (hg19) VCF-style: chr8-144947313-TG-T.
Other names: c.108delC (NM_031308.3); short protein forms R37fs.
Identifiers: ClinVar variation 2636740 (VCV002636740.1), dbSNP rs782106518, ClinGen allele CA2689009674.